The following is an entry in ClinVar:

NM_001282531.3(ADNP):c.56_57del (p.Val19fs)

Gene: ADNP (activity dependent neuroprotector homeobox; minus strand). Cytogenetic location: 20q13.13.
Variant type: Microsatellite.
Coding change: c.56_57del on transcript NM_001282531.3 (MANE Select); coding-DNA positions 56 to 57, 2 bases deleted (TG; older notation c.56_57delTG).
Protein change: p.Val19fs; shifts the reading frame from valine 19.
Molecular consequence: frameshift variant.
Genome position (GRCh38, 1-based): chr20:50,903,940-50,903,941, CA deleted on the plus strand (TG on the coding strand, the reverse complement: ADNP is on the minus strand); deleting any 2 consecutive bases within chr20:50,903,940-50,903,943 gives the same sequence; the c. name uses the placement nearest the transcript's 3' end. VCF-style (leftmost placement, unchanged base first): chr20-50903939-TCA-T. GRCh37 (hg19) VCF-style: chr20-49520476-TCA-T.
Other names: c.56_57delTG (NM_015339.2); c.56_57del, p.Val19fs (NM_001282532.2, NM_001347511.2, NM_015339.5 and 1 more transcripts); short protein forms V19fs.
Identifiers: ClinVar variation 817018 (VCV000817018.39), dbSNP rs1600956591, ClinGen allele CA915951967.
Genomic context (GRCh38, chr20:50,903,939, plus strand): 5'-TGCTACTTACTTCTATATGTTCTTTACAGTATTCCAACCCAATGTCACTAAGTATTTTTT[TCA>T]CAGTTTTCCGGGCTTTTCTTAAACTGCCAAGATTGTTGACAGGAAGTTGGAACATAGTTT-3'

ClinVar aggregate classification (germline): Pathogenic. Review status: criteria provided, multiple submitters, no conflicts (2 of 4 stars). 2 submissions from 2 submitters: Pathogenic (2). Last evaluated 2022-01-14.

Submissions (2):

GeneDx
Classification: Pathogenic. Last evaluated: 2022-01-14. Review status: criteria provided, single submitter. Criteria: GeneDx Variant Classification Process June 2021. Collection method: clinical testing. Allele origin: germline. Affected: yes.
Comment: Frameshift variant predicted to result in protein truncation or nonsense mediated decay in a gene for which loss-of-function is a known mechanism of disease; Not observed in large population cohorts (gnomAD); This variant is associated with the following publications: (PMID: 26633542)

CeGaT Center for Human Genetics Tuebingen
Classification: Pathogenic. Last evaluated: 2021-09-01. Review status: criteria provided, single submitter. Criteria: CeGaT Center For Human Genetics Tuebingen Variant Classification Criteria Version 2. Collection method: clinical testing. Allele origin: germline. Affected: yes. Observed: 1 variant allele.